The following is an entry in ClinVar:

NC_000009.11:g.(?_130216807)_(130265178_?)dup

Gene: LRSAM1 (leucine rich repeat and sterile alpha motif containing 1; plus strand). Cytogenetic location: 9q33.3.
Variant type: Duplication.
Identifiers: ClinVar variation 1412702 (VCV001412702.4).

ClinVar aggregate classification (germline): Uncertain significance (1 of 4 stars; one submission).

Conditions:
Charcot-Marie-Tooth disease axonal type 2P. Also called: CHARCOT-MARIE-TOOTH NEUROPATHY, TYPE 2P; Charcot-Marie-Tooth Neuropathy Type 2G; CHARCOT-MARIE-TOOTH DISEASE, AXONAL, TYPE 2G; CMT 2G. Identifiers: Orphanet 300319, Orphanet 99941, MedGen C3280797, MONDO:0013753, OMIM 614436.

Submission:

Labcorp Genetics (formerly Invitae), Labcorp
Classification: Uncertain significance for Charcot-Marie-Tooth disease axonal type 2P. Last evaluated: 2021-03-09. Review status: criteria provided, single submitter. Criteria: Invitae Variant Classification Sherloc (09022015). Collection method: clinical testing. Allele origin: germline.
Comment: In summary, the available evidence is currently insufficient to determine the role of this variant in disease. Therefore, it has been classified as a Variant of Uncertain Significance. This variant has not been reported in the literature in individuals with LRSAM1-related conditions. This variant results in a copy number gain of the genomic region encompassing the full coding sequence of the LRSAM1 gene. The boundaries of this event are unknown as they extend beyond the assayed region for this gene and therefore may encompass additional genes. As the precise location of this event is unknown, it may be in tandem or it may be located elsewhere in the genome.